The following is an entry in ClinVar:

ClinVar aggregate classification (germline): Uncertain significance. Review status: criteria provided, multiple submitters, no conflicts (2 of 4 stars). 2 submissions from 2 submitters: Uncertain significance (2). Last evaluated 2025-02-19.

Conditions:
Macrothrombocytopenia and granulocyte inclusions with or without nephritis or sensorineural hearing loss (MATINS). Also called: BLEEDING DISORDER, PLATELET-TYPE, 6; MYH9-Related Disease (MYH9-RD); DOHLE LEUKOCYTE INCLUSIONS WITH GIANT PLATELETS; MACROTHROMBOCYTOPENIA WITH LEUKOCYTE INCLUSIONS; MACROTHROMBOCYTOPENIA, NEPHRITIS, AND DEAFNESS; MACROTHROMBOCYTOPENIA, NEPHRITIS, DEAFNESS, AND LEUKOCYTE INCLUSIONS. Identifiers: Orphanet 182050, MedGen C5200934, MONDO:0015912, OMIM 155100.
Autosomal dominant nonsyndromic hearing loss 17. Also called: Deafness, autosomal dominant 17; Autosomal dominant nonsyndromic deafness 17. Identifiers: Orphanet 90635, MedGen C1863659, MONDO:0011350, OMIM 603622.

Allele frequency attached by ClinVar (database versions not stated): gnomAD exomes below 0.00001.
gnomAD v4.1: 2 of 1,613,440 alleles (0.00012%); highest among the groups gnomAD compares: Non-Finnish European, 0.00017%; no homozygotes.

Submissions (2):

Labcorp Genetics (formerly Invitae), Labcorp
Classification: Uncertain significance. Last evaluated: 2025-02-19. Review status: criteria provided, single submitter. Criteria: Invitae Variant Classification Sherloc (09022015). Collection method: clinical testing. Allele origin: germline.
Comment: This sequence change replaces asparagine, which is neutral and polar, with serine, which is neutral and polar, at codon 1561 of the MYH9 protein (p.Asn1561Ser). This variant is not present in population databases (gnomAD no frequency). This variant has not been reported in the literature in individuals affected with MYH9-related conditions. ClinVar contains an entry for this variant (Variation ID: 3012523). Invitae Evidence Modeling of protein sequence and biophysical properties (such as structural, functional, and spatial information, amino acid conservation, physicochemical variation, residue mobility, and thermodynamic stability) indicates that this missense variant is not expected to disrupt MYH9 protein function with a negative predictive value of 80%. In summary, the available evidence is currently insufficient to determine the role of this variant in disease. Therefore, it has been classified as a Variant of Uncertain Significance.

Fulgent Genetics
Classification: Uncertain significance for Macrothrombocytopenia and granulocyte inclusions with or without nephritis or sensorineural hearing loss; Autosomal dominant nonsyndromic hearing loss 17. Last evaluated: 2024-01-23. Review status: criteria provided, single submitter. Criteria: ACMG Guidelines, 2015. Collection method: clinical testing. Allele origin: germline.

NM_002473.6(MYH9):c.4682A>G (p.Asn1561Ser)

Gene: MYH9 (myosin heavy chain 9; minus strand). Cytogenetic location: 22q12.3.
Variant type: single nucleotide variant.
Coding change: c.4682A>G on transcript NM_002473.6 (MANE Select); coding-DNA position 4682, A replaced by G.
Protein change: p.Asn1561Ser; replaces asparagine 1561 with serine.
Molecular consequence: missense variant.
Genome position (GRCh38, 1-based): chr22:36,288,815, T>C on the plus strand (A>G on the coding strand, the complement: MYH9 is on the minus strand). VCF-style: chr22-36288815-T-C. GRCh37 (hg19) VCF-style: chr22-36684861-T-C.
Other names: short protein forms N1561S.
Identifiers: ClinVar variation 3012523 (VCV003012523.4), dbSNP rs2517953797, ClinGen allele CA411377682.